The following is an entry in ClinVar:

NM_001349253.2(SCN11A):c.3116G>C (p.Trp1039Ser)

Gene: SCN11A (sodium voltage-gated channel alpha subunit 11; minus strand). Cytogenetic location: 3p22.2.
Variant type: single nucleotide variant.
Coding change: c.3116G>C on transcript NM_001349253.2 (MANE Select); coding-DNA position 3116, G replaced by C.
Protein change: p.Trp1039Ser; replaces tryptophan 1039 with serine.
Molecular consequence: missense variant.
Genome position (GRCh38, 1-based): chr3:38,883,336, C>G on the plus strand (G>C on the coding strand, the complement: SCN11A is on the minus strand). VCF-style: chr3-38883336-C-G. GRCh37 (hg19) VCF-style: chr3-38924827-C-G.
Other names: c.3116G>C, p.Trp1039Ser (NM_014139.3); short protein forms W1039S.
Identifiers: ClinVar variation 1446558 (VCV001446558.8), dbSNP rs2065341846, ClinGen allele CA352173159.

ClinVar aggregate classification (germline): Uncertain significance (1 of 4 stars; one submission).

Conditions:
Hereditary sensory and autonomic neuropathy type 7. Also called: HSAN VII; Neuropathy, hereditary sensory and autonomic, type VII. Identifiers: Orphanet 391397, MedGen C3809882, MONDO:0014244, OMIM 615548.
Familial episodic pain syndrome with predominantly lower limb involvement. Also called: Episodic pain syndrome, familial, 3. Identifiers: Orphanet 391384, Orphanet 391392, MedGen C3809899, MONDO:0014247, OMIM 615552.

Allele frequency attached by ClinVar (database versions not stated): gnomAD exomes below 0.00001.
gnomAD v4.1: 1 of 1,614,056 alleles (0.000062%); highest among the groups gnomAD compares: South Asian, 0.0011%; no homozygotes.

Submission:

Labcorp Genetics (formerly Invitae), Labcorp
Classification: Uncertain significance for Familial episodic pain syndrome with predominantly lower limb involvement; Hereditary sensory and autonomic neuropathy type 7. Last evaluated: 2024-09-17. Review status: criteria provided, single submitter. Criteria: Invitae Variant Classification Sherloc (09022015). Collection method: clinical testing. Allele origin: germline.
Comment: This sequence change replaces tryptophan, which is neutral and slightly polar, with serine, which is neutral and polar, at codon 1039 of the SCN11A protein (p.Trp1039Ser). This variant is not present in population databases (gnomAD no frequency). This variant has not been reported in the literature in individuals affected with SCN11A-related conditions. ClinVar contains an entry for this variant (Variation ID: 1446558). Invitae Evidence Modeling of protein sequence and biophysical properties (such as structural, functional, and spatial information, amino acid conservation, physicochemical variation, residue mobility, and thermodynamic stability) indicates that this missense variant is not expected to disrupt SCN11A protein function with a negative predictive value of 80%. In summary, the available evidence is currently insufficient to determine the role of this variant in disease. Therefore, it has been classified as a Variant of Uncertain Significance.